The following is an entry in ClinVar:

NM_001290043.2(TAP2):c.1399G>A (p.Val467Ile)

Gene: TAP2 (transporter 2, ATP binding cassette subfamily B member; minus strand). Cytogenetic location: 6p21.32.
Variant type: single nucleotide variant.
Coding change: c.1399G>A on transcript NM_001290043.2 (MANE Select); coding-DNA position 1399, G replaced by A.
Protein change: p.Val467Ile; replaces valine 467 with isoleucine.
Molecular consequence: missense variant.
Genome position (GRCh38, 1-based): chr6:32,830,680, C>T on the plus strand (G>A on the coding strand, the complement: TAP2 is on the minus strand). VCF-style: chr6-32830680-C-T. GRCh37 (hg19) VCF-style: chr6-32798457-C-T.
Other names: c.1399G>A, p.Val467Ile (NM_000544.3, NM_018833.3); short protein forms V467I.
Identifiers: ClinVar variation 768076 (VCV000768076.8), dbSNP rs150253319, ClinGen allele CA3745921.
Genomic context (GRCh38, chr6:32,830,680, plus strand): 5'-TGAGCACAGGCCTGTCAGGGCGATTGGGATATGCAAAGGAGACGTCTTGGAATTTCACAA[C>T]CCCCTGCAGAGTGGTGGGGGCAAGCGTGCCAGGTGAAGGCAGATTTGGCTGTCGGTCCAT-3'
Protein context (NP_001276972.1, residues 457-477): GTLAPTTLQG[Val467Ile]VKFQDVSFAY

ClinVar aggregate classification (germline): Benign/Likely benign. Review status: criteria provided, multiple submitters, no conflicts (2 of 4 stars). 4 submissions from 4 submitters: Benign (1); Likely benign (2). 1 of the submissions does not count toward it. Last evaluated 2026-01-22.

Conditions:
MHC class I deficiency. Identifiers: Orphanet 34592, MedGen C6024714, MONDO:0011476.
TAP2-related disorder. Also called: TAP2-related condition.

Allele frequency attached by ClinVar (database versions not stated): gnomAD exomes 0.00255 and 0.00473; ExAC 0.00492; ESP Exome Variant Server 0.00889; gnomAD 0.01066 and 0.01133; 1000 Genomes Project 0.01258; TOPMed 0.01298; 1000 Genomes Project 30x 0.01343.
gnomAD v4.1: 5,555 of 1,613,058 alleles (0.34%); highest among the groups gnomAD compares: African/African-American, 2.9%; 63 homozygotes.

Submissions (4):

Women's Health and Genetics/Laboratory Corporation of America, LabCorp
Classification: Likely benign. Last evaluated: 2026-01-22. Review status: criteria provided, single submitter. Criteria: LabCorp Variant Classification Summary - May 2015. Collection method: clinical testing. Allele origin: germline.

Blueprint Genetics
Classification: Likely benign. Last evaluated: 2024-11-26. Review status: criteria provided, single submitter. Criteria: ACMG Guidelines, 2015. Collection method: clinical testing. Allele origin: germline.

Labcorp Genetics (formerly Invitae), Labcorp
Classification: Benign for Bare lymphocyte syndrome type 1. Last evaluated: 2019-12-31. Review status: criteria provided, single submitter. Criteria: Invitae Variant Classification Sherloc (09022015). Collection method: clinical testing. Allele origin: germline.

PreventionGenetics, part of Exact Sciences
Classification: Benign for TAP2-related condition. Last evaluated: 2019-04-01. Review status: no assertion criteria provided. Collection method: clinical testing. Allele origin: germline. Not counted in ClinVar's aggregate classification.
Comment: This variant is classified as benign based on ACMG/AMP sequence variant interpretation guidelines (Richards et al. 2015 PMID: 25741868, with internal and published modifications).